The following is an entry in ClinVar:

ClinVar aggregate classification (germline): Uncertain significance (1 of 4 stars; one submission).

Conditions:
Inborn genetic diseases. Identifiers: MedGen C0950123, MeSH D030342.

Allele frequency attached by ClinVar (database versions not stated): gnomAD exomes below 0.00001; gnomAD 0.00001.
gnomAD v4.1: 4 of 1,614,002 alleles (0.00025%); highest among the groups gnomAD compares: Non-Finnish European, 0.00034%; no homozygotes.

Submission:

Ambry Genetics
Classification: Uncertain significance for Inborn genetic diseases. Last evaluated: 2023-11-23. Review status: criteria provided, single submitter. Criteria: Ambry Variant Classification Scheme 2023. Collection method: clinical testing. Allele origin: germline.
Comment: The p.I723N variant (also known as c.2168T>A), located in coding exon 18 of the LRRK2 gene, results from a T to A substitution at nucleotide position 2168. The isoleucine at codon 723 is replaced by asparagine, an amino acid with dissimilar properties. This amino acid position is conserved. In addition, this alteration is predicted to be tolerated by in silico analysis. Since supporting evidence is limited at this time, the clinical significance of this alteration remains unclear.

NM_198578.4(LRRK2):c.2168T>A (p.Ile723Asn)

Gene: LRRK2 (leucine rich repeat kinase 2; plus strand). Cytogenetic location: 12q12.
Variant type: single nucleotide variant.
Coding change: c.2168T>A on transcript NM_198578.4 (MANE Select); coding-DNA position 2168, T replaced by A.
Protein change: p.Ile723Asn; replaces isoleucine 723 with asparagine.
Molecular consequence: missense variant.
Genome position (GRCh38, 1-based): chr12:40,278,188, T>A. VCF-style: chr12-40278188-T-A. GRCh37 (hg19) VCF-style: chr12-40671990-T-A.
Other names: short protein forms I723N.
Identifiers: ClinVar variation 1787018 (VCV001787018.2), dbSNP rs1443987652, ClinGen allele CA384405180.